The following is an entry in ClinVar:

NM_005360.5(MAF):c.442G>T (p.Ala148Ser)

Gene: MAF (MAF bZIP transcription factor; minus strand). Cytogenetic location: 16q23.2.
Variant type: single nucleotide variant.
Coding change: c.442G>T on transcript NM_005360.5 (MANE Select); coding-DNA position 442, G replaced by T.
Protein change: p.Ala148Ser; replaces alanine 148 with serine.
Molecular consequence: missense variant.
Genome position (GRCh38, 1-based): chr16:79,599,461, C>A on the plus strand (G>T on the coding strand, the complement: MAF is on the minus strand). VCF-style: chr16-79599461-C-A. GRCh37 (hg19) VCF-style: chr16-79633358-C-A.
Other names: c.442G>T, p.Ala148Ser (NM_001031804.3); short protein forms A148S.
Identifiers: ClinVar variation 2433601 (VCV002433601.4), dbSNP rs758854502, ClinGen allele CA8184052.

ClinVar aggregate classification (germline): Uncertain significance. Review status: criteria provided, multiple submitters, no conflicts (2 of 4 stars). 2 submissions from 2 submitters: Uncertain significance (2). Last evaluated 2026-01-24.

Conditions:
Cataract 21 multiple types. Also called: CATARACT 21, MULTIPLE TYPES, WITH OR WITHOUT MICROCORNEA; CATARACT 21, CERULEAN, WITH OR WITHOUT MICROCORNEA; CATARACT 21, MULTIPLE TYPES, WITH MICROCORNEA; Cataract, congenital, cerulean type, 4. Identifiers: Orphanet 91492, MedGen C1857768, MONDO:0012437, OMIM 610202.
Ayme-Gripp syndrome. Also called: Aymé-Gripp Syndrome. Identifiers: MedGen C1832812, MONDO:0010992, OMIM 601088.

Allele frequency attached by ClinVar (database versions not stated): TOPMed below 0.00001; gnomAD 0.00004; 1000 Genomes Project 30x 0.00031.
gnomAD v4.1: 101 of 1,343,634 alleles (0.0075%); highest among the groups gnomAD compares: South Asian, 0.13%; 1 homozygote.

Submissions (2):

Labcorp Genetics (formerly Invitae), Labcorp
Classification: Uncertain significance for Cataract 21 multiple types; Ayme-Gripp syndrome. Last evaluated: 2026-01-24. Review status: criteria provided, single submitter. Criteria: Invitae Variant Classification Sherloc (09022015). Collection method: clinical testing. Allele origin: germline.
Comment: This sequence change replaces alanine, which is neutral and non-polar, with serine, which is neutral and polar, at codon 148 of the MAF protein (p.Ala148Ser). This variant is present in population databases (rs758854502, gnomAD 0.3%). This variant has not been reported in the literature in individuals affected with MAF-related conditions. ClinVar contains an entry for this variant (Variation ID: 2433601). Invitae Evidence Modeling of protein sequence and biophysical properties (such as structural, functional, and spatial information, amino acid conservation, physicochemical variation, residue mobility, and thermodynamic stability) indicates that this missense variant is not expected to disrupt MAF protein function with a negative predictive value of 80%. In summary, the available evidence is currently insufficient to determine the role of this variant in disease. Therefore, it has been classified as a Variant of Uncertain Significance.

Revvity Omics, Revvity
Classification: Uncertain significance. Last evaluated: 2020-12-24. Review status: criteria provided, single submitter. Criteria: ACMG Guidelines, 2015. Collection method: clinical testing. Allele origin: germline.